The following is an entry in ClinVar:

ClinVar aggregate classification (germline): Uncertain significance (1 of 4 stars; one submission).

Conditions:
Kleefstra syndrome 1 (KLEFS1). Identifiers: Orphanet 261494, MedGen C0795833, MONDO:0027407, OMIM 610253.

gnomAD v4.1: 2 of 1,614,182 alleles (0.00012%); highest among the groups gnomAD compares: Non-Finnish European, 0.00017%; no homozygotes.

Submission:

Labcorp Genetics (formerly Invitae), Labcorp
Classification: Uncertain significance for Kleefstra syndrome 1. Last evaluated: 2025-05-24. Review status: criteria provided, single submitter. Criteria: Invitae Variant Classification Sherloc (09022015). Collection method: clinical testing. Allele origin: germline.
Comment: This sequence change replaces glutamic acid, which is acidic and polar, with lysine, which is basic and polar, at codon 396 of the EHMT1 protein (p.Glu396Lys). This variant is not present in population databases (gnomAD no frequency). This variant has not been reported in the literature in individuals affected with EHMT1-related conditions. Invitae Evidence Modeling of protein sequence and biophysical properties (such as structural, functional, and spatial information, amino acid conservation, physicochemical variation, residue mobility, and thermodynamic stability) indicates that this missense variant is not expected to disrupt EHMT1 protein function with a negative predictive value of 80%. In summary, the available evidence is currently insufficient to determine the role of this variant in disease. Therefore, it has been classified as a Variant of Uncertain Significance.

NM_024757.5(EHMT1):c.1186G>A (p.Glu396Lys)

Gene: EHMT1 (euchromatic histone lysine methyltransferase 1; plus strand). Cytogenetic location: 9q34.3.
Variant type: single nucleotide variant.
Coding change: c.1186G>A on transcript NM_024757.5 (MANE Select); coding-DNA position 1186, G replaced by A.
Protein change: p.Glu396Lys; replaces glutamic acid 396 with lysine.
Molecular consequence: missense variant.
Genome position (GRCh38, 1-based): chr9:137,752,346, G>A. VCF-style: chr9-137752346-G-A. GRCh37 (hg19) VCF-style: chr9-140646798-G-A.
Other names: c.1186G>A, p.Glu396Lys (NM_001145527.2, NM_001354611.2); c.1093G>A, p.Glu365Lys (NM_001354259.2, NM_001354612.2); c.1165G>A, p.Glu389Lys (NM_001354263.2); short protein forms E389K, E396K, E365K.
Identifiers: ClinVar variation 4763169 (VCV004763169.1).